The following is an entry in ClinVar:

ClinVar aggregate classification (germline): Likely benign (1 of 4 stars; one submission).

Conditions:
PHIP-related disorder. Also called: PHIP-related condition; PHIP-related disorders.

Submission:

PreventionGenetics, part of Exact Sciences
Classification: Likely benign for PHIP-related condition. Last evaluated: 2025-08-28. Review status: criteria provided, single submitter. Criteria: ACMG Guidelines, 2015. Collection method: clinical testing. Allele origin: germline.
Comment: This variant is classified as likely benign based on ACMG/AMP sequence variant interpretation guidelines (Richards et al. 2015 PMID: 25741868, with internal and published modifications).

NM_017934.7(PHIP):c.99G>A (p.Gln33=)

Gene: PHIP (PHIP subunit of CUL4-Ring ligase complex; minus strand). Cytogenetic location: 6q14.1.
Variant type: single nucleotide variant.
Coding change: c.99G>A on transcript NM_017934.7 (MANE Select); coding-DNA position 99, G replaced by A.
Protein change: p.Gln33=; no amino-acid change (glutamine 33 retained).
Molecular consequence: synonymous variant.
Genome position (GRCh38, 1-based): chr6:79,077,855, C>T on the plus strand (G>A on the coding strand, the complement: PHIP is on the minus strand). VCF-style: chr6-79077855-C-T. GRCh37 (hg19) VCF-style: chr6-79787572-C-T.
Identifiers: ClinVar variation 4991671 (VCV004991671.1).